The following is an entry in ClinVar:

ClinVar aggregate classification (germline): Likely benign. Review status: criteria provided, multiple submitters, no conflicts (2 of 4 stars). 2 submissions from 2 submitters: Likely benign (2). Last evaluated 2024-02-29.

Conditions:
Familial adenomatous polyposis 1 (FAP1). Also called: FAMILIAL ADENOMATOUS POLYPOSIS 1, ATTENUATED; POLYPOSIS, ADENOMATOUS INTESTINAL. Identifiers: MedGen C2713442, MONDO:0021056, OMIM 175100. Disease mechanism: loss of function.

Submissions (2):

Myriad Genetics, Inc.
Classification: Likely benign for Familial adenomatous polyposis 1. Last evaluated: 2024-02-29. Review status: criteria provided, single submitter. Criteria: Myriad Autosomal Dominant, Autosomal Recessive and X-Linked Classification Criteria (2023). Collection method: clinical testing. Allele origin: unknown.
Comment: This variant is considered likely benign. This variant is intronic and is not expected to impact mRNA splicing.

Labcorp Genetics (formerly Invitae), Labcorp
Classification: Likely benign for Familial adenomatous polyposis 1. Last evaluated: 2021-06-24. Review status: criteria provided, single submitter. Criteria: Invitae Variant Classification Sherloc (09022015). Collection method: clinical testing. Allele origin: germline.

NM_000038.6(APC):c.934-8G>A

Gene: APC (APC regulator of Wnt signaling pathway; plus strand). Cytogenetic location: 5q22.2.
Variant type: single nucleotide variant.
Coding change: c.934-8G>A on transcript NM_000038.6 (MANE Select); 8 bases into the intron before coding-DNA position 934, G replaced by A.
Molecular consequence: intron variant.
Genome position (GRCh38, 1-based): chr5:112,818,958, G>A. VCF-style: chr5-112818958-G-A. GRCh37 (hg19) VCF-style: chr5-112154655-G-A.
Other names: c.934-8G>A (NM_001354895.2, NM_001127510.3, NM_001354896.2); c.964-8G>A (NM_001354897.2); c.964-311G>A (NM_001354902.2); c.880-8G>A (NM_001127511.3); c.859-8G>A (NM_001354898.2); c.859-311G>A (NM_001354904.2); c.85-8G>A (NM_001354906.2); c.934-311G>A (NM_001354903.2); and 3 more.
Identifiers: ClinVar variation 1532031 (VCV001532031.9), dbSNP rs2149778516, ClinGen allele CA2573138818.